The following is an entry in ClinVar:

NM_000059.4(BRCA2):c.4977C>T (p.Ser1659=)

Gene: BRCA2 (BRCA2 DNA repair associated; plus strand). Cytogenetic location: 13q13.1.
Variant type: single nucleotide variant.
Coding change: c.4977C>T on transcript NM_000059.4 (MANE Select); coding-DNA position 4977, C replaced by T.
Protein change: p.Ser1659=; no amino-acid change (serine 1659 retained).
Molecular consequence: synonymous variant.
Genome position (GRCh38, 1-based): chr13:32,339,332, C>T. VCF-style: chr13-32339332-C-T. GRCh37 (hg19) VCF-style: chr13-32913469-C-T.
Other names: p.S1659S:TCC>TCT.
Identifiers: ClinVar variation 182288 (VCV000182288.76), dbSNP rs45484897, ClinGen allele CA021093.

ClinVar aggregate classification (germline): Likely benign. Review status: reviewed by expert panel (3 of 4 stars). 16 submissions from 16 submitters: Likely benign (1). 15 of the submissions do not count toward it. Last evaluated 2017-06-29.

Conditions:
Hereditary cancer-predisposing syndrome. Also called: Tumor predisposition; Neoplastic Syndromes, Hereditary; Hereditary Cancer Syndrome; Hereditary neoplastic syndrome. Identifiers: Orphanet 140162, MedGen C0027672, MeSH D009386, MONDO:0015356.
Familial cancer of breast. Also called: hereditary breast carcinoma; BREAST CANCER, FAMILIAL; Hereditary breast cancer. Identifiers: Orphanet 227535, MedGen C0346153, MONDO:0016419, OMIM 114480. Disease mechanism: loss of function.
Breast-ovarian cancer, familial, susceptibility to, 2 (BROVCA2). Also called: BRCA2 Hereditary Breast and Ovarian Cancer. Identifiers: Orphanet 145, MedGen C2675520, MONDO:0012933, OMIM 612555. Disease mechanism: loss of function.
Hereditary breast ovarian cancer syndrome. Also called: Hereditary breast and ovarian cancer; Hereditary breast and ovarian cancer syndrome (HBOC); Breast and ovarian cancer; Hereditary breast and/or ovarian cancer syndrome; BRCA1- and BRCA2-Associated Hereditary Breast and Ovarian Cancer; Hereditary breast and ovarian cancer syndrome. Identifiers: Orphanet 145, MedGen C0677776, MeSH D061325, MONDO:0003582. Disease mechanism: loss of function.

Allele frequency attached by ClinVar (database versions not stated): gnomAD exomes 0.00008 and 0.00015; gnomAD 0.00009 and 0.00010; TOPMed 0.00009; ExAC 0.00012; ESP Exome Variant Server 0.00015.
gnomAD v4.1: 230 of 1,594,268 alleles (0.014%); highest among the groups gnomAD compares: Non-Finnish European, 0.019%; no homozygotes.

Submissions (16):

Evidence-based Network for the Interpretation of Germline Mutant Alleles (ENIGMA)
Classification: Likely benign for Breast-ovarian cancer, familial, susceptibility to, 2. Last evaluated: 2017-06-29. Review status: reviewed by expert panel. Criteria: ENIGMA BRCA1/2 Classification Criteria (2017-06-29). Collection method: curation. Allele origin: germline.
Comment: Synonymous substitution variant, with low bioinformatic likelihood to result in a splicing aberration (Splicing prior probability 0.02).

Labcorp Genetics (formerly Invitae), Labcorp
Classification: Benign for Hereditary breast ovarian cancer syndrome. Last evaluated: 2026-01-26. Review status: criteria provided, single submitter. Criteria: Invitae Variant Classification Sherloc (09022015). Collection method: clinical testing. Allele origin: germline. Not counted in ClinVar's aggregate classification.

Center for Genomic Medicine, Rigshospitalet, Copenhagen University Hospital
Classification: Likely benign. Last evaluated: 2025-03-04. Review status: criteria provided, single submitter. Criteria: ACMG Guidelines, 2015. Collection method: clinical testing. Allele origin: germline. Not counted in ClinVar's aggregate classification.

Blueprint Genetics
Classification: Likely benign. Last evaluated: 2024-03-02. Review status: criteria provided, single submitter. Criteria: ACMG Guidelines, 2015. Collection method: clinical testing. Allele origin: germline. Not counted in ClinVar's aggregate classification.

CeGaT Center for Human Genetics Tuebingen
Classification: Likely benign. Last evaluated: 2024-01-01. Review status: criteria provided, single submitter. Criteria: CeGaT Center For Human Genetics Tuebingen Variant Classification Criteria Version 2. Collection method: clinical testing. Allele origin: germline. Affected: yes. Observed: 1 variant allele. Not counted in ClinVar's aggregate classification.
Comment: BRCA2: BP4, BP7

ARUP Laboratories, Molecular Genetics and Genomics, ARUP Laboratories
Classification: Likely benign. Last evaluated: 2023-11-13. Review status: criteria provided, single submitter. Criteria: ARUP Molecular Germline Variant Investigation Process 2024. Collection method: clinical testing. Allele origin: germline. Not counted in ClinVar's aggregate classification.

Department of Pathology and Laboratory Medicine, Sinai Health System
Classification: Likely benign for Familial cancer of breast; Breast-ovarian cancer, familial, susceptibility to, 2. Last evaluated: 2023-09-05. Review status: criteria provided, single submitter. Criteria: ACMG Guidelines, 2015. Collection method: clinical testing. Allele origin: germline. Affected: yes. Not counted in ClinVar's aggregate classification.

Quest Diagnostics Nichols Institute San Juan Capistrano
Classification: Likely benign. Last evaluated: 2022-09-30. Review status: criteria provided, single submitter. Criteria: Quest Diagnostics criteria. Collection method: clinical testing. Allele origin: unknown. Not counted in ClinVar's aggregate classification.

Genetics Program, Instituto Nacional de Cancer
Classification: Likely benign for Hereditary breast ovarian cancer syndrome. Last evaluated: 2021-11-01. Review status: criteria provided, single submitter. Criteria: ACMG Guidelines, 2015. Collection method: research. Allele origin: germline. Affected: yes. Not counted in ClinVar's aggregate classification.

Sema4
Classification: Likely benign for Hereditary cancer-predisposing syndrome. Last evaluated: 2021-04-19. Review status: criteria provided, single submitter. Criteria: Sema4 Curation Guidelines. Collection method: curation. Allele origin: germline. Not counted in ClinVar's aggregate classification.

Women's Health and Genetics/Laboratory Corporation of America, LabCorp
Classification: Benign. Last evaluated: 2016-09-02. Review status: criteria provided, single submitter. Criteria: LabCorp Variant Classification Summary - May 2015. Collection method: clinical testing. Allele origin: germline. Not counted in ClinVar's aggregate classification.
Comment: Variant summary: The BRCA2 c.4977C>T (p.Ser1659Ser) variant involves the alteration of a non-conserved nucleotide, resulting in a synonymous change. One in silico tool predicts a benign outcome for this variant, and 5/5 in silico programs via Alamut predicting no significant effect on splicing, although these predictions have yet to be functionally assessed. This variant was found in 14/118706 control chromosomes, predominantly observed in the European (Non-Finnish) subpopulation at a frequency of 0.0002136 (14/65542). This frequency is slightly less than the estimated maximal expected allele frequency of a pathogenic BRCA2 variant (0.0007503), suggesting the variant could potentially be a benign polymorphism found primarily in the populations of European (Non-Finnish) origin. Additionally, the variant of interest has only been reported, to our knowledge, in one publication suggesting it was a somatic occurrence in a cell line, although information is limited. Furthermore, multiple reputable clinical laboratories have cited the variant with a classification of "likely benign/benign." In addition, a reputable database cites the variant to co-occur with another potentially pathogenic BRCA2 variant, c.6515C>A (p.Ser2172X) and in two LabCorp specimens, one with BRCA1 (p.K653fs*47) and one with a CHEK2 (c.1100delC), both of which are pathogenic. Therefore, taking all available lines of evidence into consideration, the variant of interest is classified as benign.

Color Diagnostics, LLC DBA Color Health
Classification: Benign for Hereditary cancer-predisposing syndrome. Last evaluated: 2015-12-29. Review status: criteria provided, single submitter. Criteria: ACMG Guidelines, 2015. Collection method: clinical testing. Allele origin: germline. Not counted in ClinVar's aggregate classification.

Ambry Genetics
Classification: Likely benign for Hereditary cancer-predisposing syndrome. Last evaluated: 2014-10-09. Review status: criteria provided, single submitter. Criteria: Ambry Variant Classification Scheme 2023. Collection method: clinical testing. Allele origin: germline. Not counted in ClinVar's aggregate classification.

GeneDx
Classification: Benign. Last evaluated: 2014-08-12. Review status: criteria provided, single submitter. Criteria: GeneDx Variant Classification (06012015). Collection method: clinical testing. Allele origin: germline. Affected: yes. Not counted in ClinVar's aggregate classification.
Comment: This variant is considered likely benign or benign based on one or more of the following criteria: it is a conservative change, it occurs at a poorly conserved position in the protein, it is predicted to be benign by multiple in silico algorithms, and/or has population frequency not consistent with disease.

BRCAlab, Lund University
Classification: Likely benign for Breast-ovarian cancer, familial, susceptibility to, 2. Last evaluated: 2020-03-02. Review status: no assertion criteria provided. Collection method: clinical testing. Allele origin: germline. Affected: yes. Not counted in ClinVar's aggregate classification.

True Health Diagnostics
Classification: Likely benign for Hereditary cancer-predisposing syndrome. Last evaluated: 2018-01-12. Review status: no assertion criteria provided. Collection method: clinical testing. Allele origin: germline. Not counted in ClinVar's aggregate classification.

Literature cited by the submitters: PubMed 36329109 (cited by Department of Pathology and Laboratory Medicine, Sinai Health System and Genetics Program, Instituto Nacional de Cancer); PubMed 17088437 (cited by 3 submitters).